The following is an entry in ClinVar:

NC_000019.9:g.(?_1206912)_(1222006_?)dup

Gene: STK11 (serine/threonine kinase 11; plus strand). Cytogenetic location: 19p13.3.
Variant type: Duplication.
Identifiers: ClinVar variation 4526428 (VCV004526428.1).

ClinVar aggregate classification (germline): Likely pathogenic (1 of 4 stars; one submission).

Conditions:
Hereditary breast ovarian cancer syndrome. Also called: Hereditary breast and ovarian cancer syndrome; BRCA1- and BRCA2-Associated Hereditary Breast and Ovarian Cancer; Hereditary breast and ovarian cancer; Hereditary breast and ovarian cancer syndrome (HBOC); Breast and ovarian cancer; Hereditary breast and/or ovarian cancer syndrome. Identifiers: Orphanet 145, MedGen C0677776, MeSH D061325, MONDO:0003582. Disease mechanism: loss of function.

Submission:

Genetics and Personalized Medicine Clinic, Tartu University Hospital
Classification: Likely pathogenic for Hereditary breast ovarian cancer syndrome. Last evaluated: 2022-05-18. Review status: criteria provided, single submitter. Criteria: ACMG Guidelines, 2015. Collection method: clinical testing. Allele origin: germline. Affected: yes. Observed: 1 variant allele.
Comment: This duplication likely disrupts the STK11 gene, resulting in abnormal gene function. Loss-of-function variants in STK11 are a recognized cause of Peutz-Jeghers syndrome, and large exon-spanning duplications are generally classified as pathogenic under ACMG criteria.